The following is an entry in ClinVar:

NM_000551.4(VHL):c.312C>T (p.Gly104=)

Gene: VHL (von Hippel-Lindau tumor suppressor; plus strand). Cytogenetic location: 3p25.3.
Variant type: single nucleotide variant.
Coding change: c.312C>T on transcript NM_000551.4 (MANE Select); coding-DNA position 312, C replaced by T.
Protein change: p.Gly104=; no amino-acid change (glycine 104 retained).
Molecular consequence: synonymous variant.
Genome position (GRCh38, 1-based): chr3:10,142,159, C>T. VCF-style: chr3-10142159-C-T. GRCh37 (hg19) VCF-style: chr3-10183843-C-T.
Other names: c.312C>T, p.Gly104= (NM_001354723.2, NM_198156.3).
Identifiers: ClinVar variation 456582 (VCV000456582.25), dbSNP rs946898891, ClinGen allele CA70046276.
Genomic context (GRCh38, chr3:10,142,159, plus strand): 5'-GCTGCCCGTATGGCTCAACTTCGACGGCGAGCCGCAGCCCTACCCAACGCTGCCGCCTGG[C>T]ACGGGCCGCCGCATCCACAGCTACCGAGGTACGGGCCCGGCGCTTAGGCCCGACCCAGCA-3'
Protein context (NP_000542.1, residues 94-114): EPQPYPTLPP[Gly104=]TGRRIHSYRG

ClinVar aggregate classification (germline): Conflicting classifications of pathogenicity. Review status: criteria provided, conflicting classifications (1 of 4 stars). 7 submissions from 7 submitters: Uncertain significance (3); Benign (1); Likely benign (3). Last evaluated 2026-09-18.

Conditions:
VHL-related disorder. Also called: VHL-related condition.
Von Hippel-Lindau syndrome (VHLS). Also called: von Hippel–Lindau syndrome; VHL syndrome; Von Hippel-Lindau. Identifiers: Orphanet 892, MedGen C0019562, MONDO:0008667, OMIM 193300. Disease mechanism: loss of function.
Chuvash polycythemia. Also called: POLYCYTHEMIA, VHL-DEPENDENT. Identifiers: Orphanet 238557, MedGen C1837915, MONDO:0009892, OMIM 263400.
Nonpapillary renal cell carcinoma. Identifiers: Orphanet 422526, MedGen CN074294, MONDO:0007763, OMIM 144700.
Pheochromocytoma. Also called: MAX-Related Hereditary Paraganglioma-Pheochromocytoma Syndrome. Identifiers: Orphanet 29072, MedGen C0031511, MONDO:0008233, OMIM 171300, HP:0002666.
Hereditary cancer-predisposing syndrome. Also called: Tumor predisposition; Hereditary neoplastic syndrome; Neoplastic Syndromes, Hereditary; Hereditary Cancer Syndrome. Identifiers: Orphanet 140162, MedGen C0027672, MeSH D009386, MONDO:0015356.

Allele frequency attached by ClinVar (database versions not stated): gnomAD exomes below 0.00001; gnomAD 0.00007; TOPMed 0.00010.

Submissions (7):

PreventionGenetics, part of Exact Sciences
Classification: Likely benign for VHL-related condition. Last evaluated: 2026-09-18. Review status: criteria provided, single submitter. Criteria: ACMG Guidelines, 2015. Collection method: clinical testing. Allele origin: germline.
Comment: This variant is classified as likely benign based on ACMG/AMP sequence variant interpretation guidelines (Richards et al. 2015 PMID: 25741868, with internal and published modifications).

Labcorp Genetics (formerly Invitae), Labcorp
Classification: Likely benign for Von Hippel-Lindau syndrome; Chuvash polycythemia. Last evaluated: 2026-01-12. Review status: criteria provided, single submitter. Criteria: Invitae Variant Classification Sherloc (09022015). Collection method: clinical testing. Allele origin: germline.

Quest Diagnostics Nichols Institute San Juan Capistrano
Classification: Uncertain significance. Last evaluated: 2025-10-18. Review status: criteria provided, single submitter. Criteria: Quest Diagnostics criteria. Collection method: clinical testing. Allele origin: unknown.

Myriad Genetics, Inc.
Classification: Benign for Von Hippel-Lindau syndrome. Last evaluated: 2025-06-11. Review status: criteria provided, single submitter. Criteria: Myriad Autosomal Dominant, Autosomal Recessive and X-Linked Classification Criteria (2023). Collection method: clinical testing. Allele origin: unknown.
Comment: This variant is considered benign. This variant is a silent/synonymous amino acid change and it is not expected to impact splicing.

Fulgent Genetics
Classification: Uncertain significance for Nonpapillary renal cell carcinoma; Pheochromocytoma; Von Hippel-Lindau syndrome; Chuvash polycythemia. Last evaluated: 2024-01-16. Review status: criteria provided, single submitter. Criteria: ACMG Guidelines, 2015. Collection method: clinical testing. Allele origin: germline.

GeneDx
Classification: Uncertain significance. Last evaluated: 2022-12-21. Review status: criteria provided, single submitter. Criteria: GeneDx Variant Classification Process June 2021. Collection method: clinical testing. Allele origin: germline. Affected: yes.
Comment: In silico analysis suggests this variant may impact gene splicing. In the absence of RNA/functional studies, the actual effect of this sequence change is unknown.; Observed in an individual with retina hemangioma (Olschwang 1998); Observed in large population cohorts (gnomAD; internal data); This variant is associated with the following publications: (PMID: 9829912, 18584357)

Ambry Genetics
Classification: Likely benign for Hereditary cancer-predisposing syndrome. Last evaluated: 2019-02-20. Review status: criteria provided, single submitter. Criteria: Ambry Variant Classification Scheme 2023. Collection method: clinical testing. Allele origin: germline.